The following is an entry in ClinVar:

ClinVar aggregate classification (germline): Uncertain significance. Review status: criteria provided, multiple submitters, no conflicts (2 of 4 stars). 2 submissions from 2 submitters: Uncertain significance (2). Last evaluated 2025-09-14.

Allele frequency attached by ClinVar (database versions not stated): gnomAD 0.00001; gnomAD exomes 0.00004; ExAC 0.00006.

Submissions (2):

Labcorp Genetics (formerly Invitae), Labcorp
Classification: Uncertain significance. Last evaluated: 2025-09-14. Review status: criteria provided, single submitter. Criteria: Invitae Variant Classification Sherloc (09022015). Collection method: clinical testing. Allele origin: germline.
Comment: This sequence change replaces aspartic acid, which is acidic and polar, with alanine, which is neutral and non-polar, at codon 22 of the RBBP8 protein (p.Asp22Ala). This variant is present in population databases (rs758961826, gnomAD 0.04%). This variant has not been reported in the literature in individuals affected with RBBP8-related conditions. ClinVar contains an entry for this variant (Variation ID: 2689862). Invitae Evidence Modeling of protein sequence and biophysical properties (such as structural, functional, and spatial information, amino acid conservation, physicochemical variation, residue mobility, and thermodynamic stability) indicates that this missense variant is not expected to disrupt RBBP8 protein function with a negative predictive value of 80%. In summary, the available evidence is currently insufficient to determine the role of this variant in disease. Therefore, it has been classified as a Variant of Uncertain Significance.

Revvity Omics, Revvity
Classification: Uncertain significance. Last evaluated: 2023-12-19. Review status: criteria provided, single submitter. Criteria: ACMG Guidelines, 2015. Collection method: clinical testing. Allele origin: germline.

NM_002894.3(RBBP8):c.65A>C (p.Asp22Ala)

Gene: RBBP8 (RB binding protein 8, endonuclease; plus strand). Cytogenetic location: 18q11.2.
Variant type: single nucleotide variant.
Coding change: c.65A>C on transcript NM_002894.3 (MANE Select); coding-DNA position 65, A replaced by C.
Protein change: p.Asp22Ala; replaces aspartic acid 22 with alanine.
Molecular consequence: missense variant.
Genome position (GRCh38, 1-based): chr18:22,936,916, A>C. VCF-style: chr18-22936916-A-C. GRCh37 (hg19) VCF-style: chr18-20516879-A-C.
Other names: c.65A>C, p.Asp22Ala (NM_203291.2, NM_203292.2); short protein forms D22A.
Identifiers: ClinVar variation 2689862 (VCV002689862.3), dbSNP rs758961826, ClinGen allele CA8909661.